The following is an entry in ClinVar:

ClinVar aggregate classification (germline): Uncertain significance. Review status: criteria provided, multiple submitters, no conflicts (2 of 4 stars). 2 submissions from 2 submitters: Uncertain significance (2). Last evaluated 2025-12-06.

Conditions:
Inborn genetic diseases. Identifiers: MedGen C0950123, MeSH D030342.

Submissions (2):

Labcorp Genetics (formerly Invitae), Labcorp
Classification: Uncertain significance. Last evaluated: 2025-12-06. Review status: criteria provided, single submitter. Criteria: Invitae Variant Classification Sherloc (09022015). Collection method: clinical testing. Allele origin: germline.
Comment: This sequence change replaces methionine, which is neutral and non-polar, with lysine, which is basic and polar, at codon 1572 of the ASPM protein (p.Met1572Lys). This variant is present in population databases (no rsID available, gnomAD 0.01%). This variant has not been reported in the literature in individuals affected with ASPM-related conditions. Invitae Evidence Modeling of protein sequence and biophysical properties (such as structural, functional, and spatial information, amino acid conservation, physicochemical variation, residue mobility, and thermodynamic stability) indicates that this missense variant is not expected to disrupt ASPM protein function with a negative predictive value of 80%. In summary, the available evidence is currently insufficient to determine the role of this variant in disease. Therefore, it has been classified as a Variant of Uncertain Significance.

Ambry Genetics
Classification: Uncertain significance for Inborn genetic diseases. Last evaluated: 2025-09-28. Review status: criteria provided, single submitter. Criteria: Ambry Variant Classification Scheme 2023. Collection method: clinical testing. Allele origin: germline.

NM_018136.5(ASPM):c.4715T>A (p.Met1572Lys)

Gene: ASPM (assembly factor for spindle microtubules; minus strand). Cytogenetic location: 1q31.3.
Variant type: single nucleotide variant.
Coding change: c.4715T>A on transcript NM_018136.5 (MANE Select); coding-DNA position 4715, T replaced by A.
Protein change: p.Met1572Lys; replaces methionine 1572 with lysine.
Molecular consequence: missense variant. On other transcripts: intron variant (1).
Genome position (GRCh38, 1-based): chr1:197,104,536, A>T on the plus strand (T>A on the coding strand, the complement: ASPM is on the minus strand). VCF-style: chr1-197104536-A-T. GRCh37 (hg19) VCF-style: chr1-197073666-A-T.
Other names: c.4066-8372T>A (NM_001206846.2); short protein forms M1572K.
Identifiers: ClinVar variation 4586727 (VCV004586727.2).